The following is an entry in ClinVar:

NM_015884.4(MBTPS2):c.416A>G (p.Asn139Ser)

Gene: MBTPS2 (membrane bound transcription factor peptidase, site 2; plus strand). Cytogenetic location: Xp22.12.
Variant type: single nucleotide variant.
Coding change: c.416A>G on transcript NM_015884.4 (MANE Select); coding-DNA position 416, A replaced by G.
Protein change: p.Asn139Ser; replaces asparagine 139 with serine.
Molecular consequence: missense variant.
Genome position (GRCh38, 1-based): chrX:21,845,362, A>G. VCF-style: chrX-21845362-A-G. GRCh37 (hg19) VCF-style: chrX-21863480-A-G.
Other names: short protein forms N139S.
Identifiers: ClinVar variation 1962290 (VCV001962290.5), dbSNP rs1186093893, ClinGen allele CA412562106.

ClinVar aggregate classification (germline): Uncertain significance (1 of 4 stars; one submission).

Allele frequency attached by ClinVar (database versions not stated): gnomAD exomes below 0.00001.
gnomAD v4.1: 1 of 1,204,233 alleles (0.000083%); highest among the groups gnomAD compares: Non-Finnish European, 0.00011%; no homozygotes.

Submission:

Labcorp Genetics (formerly Invitae), Labcorp
Classification: Uncertain significance. Last evaluated: 2023-08-28. Review status: criteria provided, single submitter. Criteria: Invitae Variant Classification Sherloc (09022015). Collection method: clinical testing. Allele origin: germline.
Comment: In summary, the available evidence is currently insufficient to determine the role of this variant in disease. Therefore, it has been classified as a Variant of Uncertain Significance. Algorithms developed to predict the effect of sequence changes on RNA splicing suggest that this variant may disrupt the consensus splice site. Advanced modeling of protein sequence and biophysical properties (such as structural, functional, and spatial information, amino acid conservation, physicochemical variation, residue mobility, and thermodynamic stability) performed at Invitae indicates that this missense variant is not expected to disrupt MBTPS2 protein function. ClinVar contains an entry for this variant (Variation ID: 1962290). This variant has not been reported in the literature in individuals affected with MBTPS2-related conditions. This variant is not present in population databases (gnomAD no frequency). This sequence change replaces asparagine, which is neutral and polar, with serine, which is neutral and polar, at codon 139 of the MBTPS2 protein (p.Asn139Ser).